The following is an entry in ClinVar:

NM_001365276.2(TNXB):c.4996C>T (p.Arg1666Ter)

Gene: TNXB (tenascin XB; minus strand). Cytogenetic location: 6p21.33.
Variant type: single nucleotide variant.
Coding change: c.4996C>T on transcript NM_001365276.2 (MANE Select); coding-DNA position 4996, C replaced by T.
Protein change: p.Arg1666Ter; replaces arginine 1666 with a stop codon.
Molecular consequence: nonsense.
Genome position (GRCh38, 1-based): chr6:32,070,409, G>A on the plus strand (C>T on the coding strand, the complement: TNXB is on the minus strand). VCF-style: chr6-32070409-G-A. GRCh37 (hg19) VCF-style: chr6-32038186-G-A.
Other names: c.4996C>T, p.Arg1666Ter (NM_019105.8); short protein forms R1666*.
Identifiers: ClinVar variation 208621 (VCV000208621.7), dbSNP rs746016355, ClinGen allele CA204585.

ClinVar aggregate classification (germline): Conflicting classifications of pathogenicity. Review status: criteria provided, conflicting classifications (1 of 4 stars). 3 submissions from 3 submitters: Pathogenic (1); Likely pathogenic (1); Uncertain significance (1). Last evaluated 2025-06-03.

Conditions:
Ehlers-Danlos syndrome due to tenascin-X deficiency (EDSCLL1). Also called: EDS DUE TO TNX DEFICIENCY; TNX DEFICIENCY; EHLERS-DANLOS SYNDROME, CLASSIC-LIKE; Ehlers-Danlos syndrome, classic-like, 1; TNXB-Related Classical-Like Ehlers-Danlos Syndrome. Identifiers: Orphanet 230839, MedGen C1848029, MONDO:0011670, OMIM 606408.

Allele frequency attached by ClinVar (database versions not stated): ExAC 0.00001; gnomAD exomes 0.00001.
gnomAD v4.1: 5 of 1,587,446 alleles (0.00031%); highest among the groups gnomAD compares: East Asian, 0.0045%; no homozygotes.

Submissions (3):

Myriad Genetics, Inc.
Classification: Pathogenic for Ehlers-Danlos syndrome due to tenascin-X deficiency. Last evaluated: 2025-06-03. Review status: criteria provided, single submitter. Criteria: Myriad Autosomal Dominant, Autosomal Recessive and X-Linked Classification Criteria (2023). Collection method: clinical testing. Allele origin: unknown.
Comment: NM_019105.6(TNXB):c.4996C>T(R1666*) is expected to be pathogenic in the context of classical-like Ehlers-Danlos syndrome, TNXB-related. This variant is predicted to lead to an abnormal or absent protein product due to the creation of a premature termination codon in TNXB, a gene where loss-of-function variants are known to be pathogenic. Please note: this variant was assessed in the context of healthy population screening.

Laboratory for Molecular Medicine, Mass General Brigham Personalized Medicine
Classification: Uncertain significance for Ehlers-Danlos-like syndrome due to tenascin-X deficiency. Last evaluated: 2014-12-16. Review status: criteria provided, single submitter. Criteria: LMM Criteria. Collection method: clinical testing. Allele origin: germline. Inheritance: Autosomal recessive inheritance. Observed: 1 variant allele. Study: CSER-MedSeq.
Comment: The p.Arg1666X variant in TNXB has not been previously reported in the literature but has been identified in 1/13218 South Asian chromosomes by the Exome Aggregation Consortium (ExAC). This nonsense variant leads to a premature termination codon at position 1666, which is predicted to lead to a truncated or absent protein. Complete loss of TNXB function has been described in a few families with Ehlers-Danlos-like syndrome (Schalkwijk 2001, Merke 2013, Penisson-Besnier 2013) and a TNXB mouse knockout model indicates that complete loss of TNXB function results in abnormal collagen deposition (Mao 2002). In summary, while there is some suspicion for a pathogenic role of loss-of-function TNXB variants in Ehlers-Danlos-like syndrome, the clinical significance of the p.Arg1666X variant is uncertain.

Juno Genomics, Hangzhou Juno Genomics, Inc
Classification: Likely pathogenic for Ehlers-Danlos syndrome due to tenascin-X deficiency. Review status: criteria provided, single submitter. Criteria: ACMG Guidelines, 2015. Collection method: clinical testing. Allele origin: germline.
Comment: Null variant in a gene where loss of function (LOF) is a known mechanism of disease.;Absent from controls (or at extremely low frequency if recessive) in Genome Aggregation Database.

Literature cited by the submitters: PubMed 23768946 (cited by Laboratory for Molecular Medicine, Mass General Brigham Personalized Medicine); PubMed 11642233 (cited by Laboratory for Molecular Medicine, Mass General Brigham Personalized Medicine); PubMed 23284009 (cited by Laboratory for Molecular Medicine, Mass General Brigham Personalized Medicine); PubMed 11925569 (cited by Laboratory for Molecular Medicine, Mass General Brigham Personalized Medicine).